The following is an entry in ClinVar:

ClinVar aggregate classification (germline): Uncertain significance (1 of 4 stars; one submission).

Conditions:
Neuronal ceroid lipofuscinosis 7 (CLN7). Also called: MFSD8-Related Neuronal Ceroid-Lipofuscinosis. Identifiers: Orphanet 168491, Orphanet 228366, MedGen C1838571, MONDO:0012588, OMIM 610951.

Allele frequency attached by ClinVar (database versions not stated): ExAC 0.00001; gnomAD exomes 0.00001.
gnomAD v4.1: 11 of 1,613,662 alleles (0.00068%); highest among the groups gnomAD compares: Non-Finnish European, 0.00085%; no homozygotes.

Submission:

Labcorp Genetics (formerly Invitae), Labcorp
Classification: Uncertain significance for Neuronal ceroid lipofuscinosis 7. Last evaluated: 2025-01-27. Review status: criteria provided, single submitter. Criteria: Invitae Variant Classification Sherloc (09022015). Collection method: clinical testing. Allele origin: germline.
Comment: This sequence change replaces isoleucine, which is neutral and non-polar, with methionine, which is neutral and non-polar, at codon 207 of the MFSD8 protein (p.Ile207Met). This variant is present in population databases (rs749064699, gnomAD 0.0009%). This variant has not been reported in the literature in individuals affected with MFSD8-related conditions. ClinVar contains an entry for this variant (Variation ID: 2137949). Invitae Evidence Modeling of protein sequence and biophysical properties (such as structural, functional, and spatial information, amino acid conservation, physicochemical variation, residue mobility, and thermodynamic stability) has been performed for this missense variant. However, the output from this modeling did not meet the statistical confidence thresholds required to predict the impact of this variant on MFSD8 protein function. In summary, the available evidence is currently insufficient to determine the role of this variant in disease. Therefore, it has been classified as a Variant of Uncertain Significance.

NM_001371596.2(MFSD8):c.621A>G (p.Ile207Met)

Gene: MFSD8 (major facilitator superfamily domain containing 8; minus strand). Cytogenetic location: 4q28.2.
Variant type: single nucleotide variant.
Coding change: c.621A>G on transcript NM_001371596.2 (MANE Select); coding-DNA position 621, A replaced by G.
Protein change: p.Ile207Met; replaces isoleucine 207 with methionine.
Molecular consequence: missense variant. On other transcripts: intron variant (5).
Genome position (GRCh38, 1-based): chr4:127,939,930, T>C on the plus strand (A>G on the coding strand, the complement: MFSD8 is on the minus strand). VCF-style: chr4-127939930-T-C. GRCh37 (hg19) VCF-style: chr4-128861085-T-C.
Other names: c.486A>G, p.Ile162Met (NM_001371590.2); c.621A>G, p.Ile207Met (NM_001371591.2, NM_152778.4); c.627A>G, p.Ile209Met (NM_001371592.2); c.507A>G, p.Ile169Met (NM_001371593.2, NM_001410766.1); c.419-1094A>G (NM_001371595.1); c.304+3822A>G (NM_001410765.1); c.439+3822A>G (NM_001363521.3); c.553+2115A>G (NM_001363520.3); and 1 more; short protein forms I162M, I169M, I209M, I207M.
Identifiers: ClinVar variation 2137949 (VCV002137949.2), dbSNP rs749064699, ClinGen allele CA3077423.
Genomic context (GRCh38, chr4:127,939,930, plus strand): 5'-CAGAATAATATTTAAAATTCCCAGGAAGGCGCTAAGTAAAACTGGTGTTGTATACATGTT[T>C]ATCTGCAGTTTAATCACATCCCATGTCACACCTTTTTCTCCAAGGAATGTAAAACAAGTC-3'
Protein context (NP_001358525.1, residues 197-217): GVTWDVIKLQ[Ile207Met]NMYTTPVLLS